The following is an entry in ClinVar:

NM_006231.4(POLE):c.2462G>T (p.Arg821Leu)

Gene: POLE (DNA polymerase epsilon, catalytic subunit; minus strand). Cytogenetic location: 12q24.33.
Variant type: single nucleotide variant.
Coding change: c.2462G>T on transcript NM_006231.4 (MANE Select); coding-DNA position 2462, G replaced by T.
Protein change: p.Arg821Leu; replaces arginine 821 with leucine.
Molecular consequence: missense variant.
Genome position (GRCh38, 1-based): chr12:132,665,308, C>A on the plus strand (G>T on the coding strand, the complement: POLE is on the minus strand). VCF-style: chr12-132665308-C-A. GRCh37 (hg19) VCF-style: chr12-133241894-C-A.
Other names: c.2462G>T (NM_006231.2); short protein forms R821L.
Identifiers: ClinVar variation 473530 (VCV000473530.8), dbSNP rs757051826, ClinGen allele CA387396890.
Genomic context (GRCh38, chr12:132,665,308, plus strand): 5'-ACGTGGACTCATCCATTCCTCCCATAAGCCTCTCCCGGGCCCGGGCCCACCTACCCCTTG[C>A]GCATGACATAGCCATAGAAGGAGTTCAGGATGCACTTGTGGGCCAGCTGCAGCGAGTCAT-3'
Protein context (NP_006222.2, residues 811-831): ILNSFYGYVM[Arg821Leu]KGARWYSMEM

ClinVar aggregate classification (germline): Uncertain significance. Review status: criteria provided, multiple submitters, no conflicts (2 of 4 stars). 2 submissions from 2 submitters: Uncertain significance (2). Last evaluated 2025-12-22.

Conditions:
Hereditary cancer-predisposing syndrome. Also called: Neoplastic Syndromes, Hereditary; Tumor predisposition; Hereditary neoplastic syndrome; Hereditary Cancer Syndrome. Identifiers: Orphanet 140162, MedGen C0027672, MeSH D009386, MONDO:0015356.

gnomAD v4.1: 1 of 1,613,660 alleles (0.000062%); highest among the groups gnomAD compares: Non-Finnish European, 0.000085%; no homozygotes.

Submissions (2):

Ambry Genetics
Classification: Uncertain significance for Hereditary cancer-predisposing syndrome. Last evaluated: 2025-12-22. Review status: criteria provided, single submitter. Criteria: Ambry Variant Classification Scheme 2023. Collection method: clinical testing. Allele origin: germline.
Comment: The p.R821L variant (also known as c.2462G>T), located in coding exon 21 of the POLE gene, results from a G to T substitution at nucleotide position 2462. The arginine at codon 821 is replaced by leucine, an amino acid with dissimilar properties. This amino acid position is conserved. In addition, this alteration is predicted to be deleterious by in silico analysis. Since supporting evidence is limited at this time, the clinical significance of this alteration remains unclear.

Labcorp Genetics (formerly Invitae), Labcorp
Classification: Uncertain significance. Last evaluated: 2023-10-14. Review status: criteria provided, single submitter. Criteria: Invitae Variant Classification Sherloc (09022015). Collection method: clinical testing. Allele origin: germline.
Comment: This sequence change replaces arginine, which is basic and polar, with leucine, which is neutral and non-polar, at codon 821 of the POLE protein (p.Arg821Leu). This variant is not present in population databases (gnomAD no frequency). This variant has not been reported in the literature in individuals affected with POLE-related conditions. ClinVar contains an entry for this variant (Variation ID: 473530). Advanced modeling of protein sequence and biophysical properties (such as structural, functional, and spatial information, amino acid conservation, physicochemical variation, residue mobility, and thermodynamic stability) performed at Invitae indicates that this missense variant is expected to disrupt POLE protein function. In summary, the available evidence is currently insufficient to determine the role of this variant in disease. Therefore, it has been classified as a Variant of Uncertain Significance.